The following is an entry in ClinVar:

NM_001148.6(ANK2):c.6450C>T (p.Tyr2150=)

Gene: ANK2 (ankyrin 2; plus strand). Cytogenetic location: 4q26.
Variant type: single nucleotide variant.
Coding change: c.6450C>T on transcript NM_001148.6 (MANE Select); coding-DNA position 6450, C replaced by T.
Protein change: p.Tyr2150=; no amino-acid change (tyrosine 2150 retained).
Molecular consequence: synonymous variant. On other transcripts: intron variant (68).
Genome position (GRCh38, 1-based): chr4:113,355,068, C>T. VCF-style: chr4-113355068-C-T. GRCh37 (hg19) VCF-style: chr4-114276224-C-T.
Other names: c.4228+4819C>T (NM_001354268.2); c.4126+4819C>T (NM_001354273.2); c.4426+4819C>T (NM_020977.5); c.4483+4819C>T (NM_001386152.1); c.4504+4819C>T (NM_001354237.2); c.4405+4819C>T (NM_001354230.2); c.4468+4819C>T (NM_001354231.2, NM_001354242.2); c.4471+4819C>T (NM_001386144.1, NM_001354240.2, NM_001354241.2); and 35 more.
Identifiers: ClinVar variation 2655037 (VCV002655037.27), dbSNP rs2505565514, ClinGen allele CA440878310.
Genomic context (GRCh38, chr4:113,355,068, plus strand): 5'-GAAAACCTCCACTGACTTCTCTGAGGTCATTAAGCAAGAGTTGGAAGACAATGACAAATA[C>T]CAACAATTCCGCCTGAGTGAGGAGACAGAAAAGGCACAGCTTCACTTAGACCAAGTACTC-3'
Protein context (NP_001139.3, residues 2140-2160): IKQELEDNDK[Tyr2150=]QQFRLSEETE

ClinVar aggregate classification (germline): Likely benign. Review status: criteria provided, multiple submitters, no conflicts (2 of 4 stars). 2 submissions from 2 submitters: Likely benign (2). Last evaluated 2023-05-01.

Conditions:
Long QT syndrome (LQTS). Identifiers: MedGen C0023976, MeSH D008133, MONDO:0002442. Disease mechanism: loss of function. Inheritance: Various modes of inheritance.

Allele frequency attached by ClinVar (database versions not stated): gnomAD exomes below 0.00001.
gnomAD v4.1: 2 of 1,614,046 alleles (0.00012%); highest among the groups gnomAD compares: Non-Finnish European, 0.00017%; no homozygotes.

Submissions (2):

CeGaT Center for Human Genetics Tuebingen
Classification: Likely benign. Last evaluated: 2023-05-01. Review status: criteria provided, single submitter. Criteria: CeGaT Center For Human Genetics Tuebingen Variant Classification Criteria Version 2. Collection method: clinical testing. Allele origin: germline. Affected: yes. Observed: 1 variant allele.
Comment: ANK2: PM2:Supporting, BP4, BP7

Labcorp Genetics (formerly Invitae), Labcorp
Classification: Likely benign for Long QT syndrome. Last evaluated: 2023-01-25. Review status: criteria provided, single submitter. Criteria: Invitae Variant Classification Sherloc (09022015). Collection method: clinical testing. Allele origin: germline.